The following is an entry in ClinVar:

ClinVar aggregate classification (germline): Likely benign. Review status: criteria provided, multiple submitters, no conflicts (2 of 4 stars). 4 submissions from 3 submitters: Likely benign (4). Last evaluated 2025-10-27.

Conditions:
Developmental and epileptic encephalopathy, 14 (DEE14). Also called: Early infantile epileptic encephalopathy 14. Identifiers: Orphanet 293181, MedGen C3554195, MONDO:0013989, OMIM 614959.
Autosomal dominant nocturnal frontal lobe epilepsy 5. Also called: KCNT1-Related Epilepsy; CILIARY DYSKINESIA, PRIMARY, 28, WITHOUT SITUS INVERSUS; CILIARY DYSKINESIA, PRIMARY, 28, WITH SITUS INVERSUS; Epilepsy, nocturnal frontal lobe, 5. Identifiers: Orphanet 98784, MedGen C3554306, MONDO:0014002, OMIM 615005.

Allele frequency attached by ClinVar (database versions not stated): TOPMed 0.00002.
gnomAD v4.1: 3 of 1,594,564 alleles (0.00019%); highest among the groups gnomAD compares: African/African-American, 0.004%; no homozygotes.

Submissions (4):

Labcorp Genetics (formerly Invitae), Labcorp
Classification: Likely benign for Autosomal dominant nocturnal frontal lobe epilepsy 5; Developmental and epileptic encephalopathy, 14. Last evaluated: 2025-10-27. Review status: criteria provided, single submitter. Criteria: Invitae Variant Classification Sherloc (09022015). Collection method: clinical testing. Allele origin: germline.

Genome-Nilou Lab
Classification: Likely benign for Developmental and epileptic encephalopathy, 14. Last evaluated: 2022-03-15. Review status: criteria provided, single submitter. Criteria: ACMG Guidelines, 2015. Collection method: clinical testing. Allele origin: germline. Affected: no.

Genome-Nilou Lab
Classification: Likely benign for Autosomal dominant nocturnal frontal lobe epilepsy 5. Last evaluated: 2022-03-15. Review status: criteria provided, single submitter. Criteria: ACMG Guidelines, 2015. Collection method: clinical testing. Allele origin: germline. Affected: no.

GeneDx
Classification: Likely benign. Last evaluated: 2016-05-13. Review status: criteria provided, single submitter. Criteria: GeneDx Variant Classification (06012015). Collection method: clinical testing. Allele origin: germline. Affected: yes.
Comment: This variant is considered likely benign or benign based on one or more of the following criteria: it is a conservative change, it occurs at a poorly conserved position in the protein, it is predicted to be benign by multiple in silico algorithms, and/or has population frequency not consistent with disease.

NM_020822.3(KCNT1):c.3316C>A (p.Arg1106=)

Gene: KCNT1 (potassium sodium-activated channel subfamily T member 1; plus strand). Cytogenetic location: 9q34.3.
Variant type: single nucleotide variant.
Coding change: c.3316C>A on transcript NM_020822.3 (MANE Select); coding-DNA position 3316, C replaced by A.
Protein change: p.Arg1106=; no amino-acid change (arginine 1106 retained).
Molecular consequence: synonymous variant.
Genome position (GRCh38, 1-based): chr9:135,786,335, C>A. VCF-style: chr9-135786335-C-A. GRCh37 (hg19) VCF-style: chr9-138678181-C-A.
Other names: c.3181C>A, p.Arg1061= (NM_001272003.2).
Identifiers: ClinVar variation 386108 (VCV000386108.11), dbSNP rs542409033, ClinGen allele CA16606431.